The following is an entry in ClinVar:

NM_006618.5(KDM5B):c.773G>A (p.Arg258His)

Gene: KDM5B (lysine demethylase 5B; minus strand). Cytogenetic location: 1q32.1.
Variant type: single nucleotide variant.
Coding change: c.773G>A on transcript NM_006618.5 (MANE Select); coding-DNA position 773, G replaced by A.
Protein change: p.Arg258His; replaces arginine 258 with histidine.
Molecular consequence: missense variant.
Genome position (GRCh38, 1-based): chr1:202,764,084, C>T on the plus strand (G>A on the coding strand, the complement: KDM5B is on the minus strand). VCF-style: chr1-202764084-C-T. GRCh37 (hg19) VCF-style: chr1-202733212-C-T.
Other names: c.881G>A, p.Arg294His (NM_001314042.2); c.638G>A, p.Arg213His (NM_001347591.2); c.758G>A, p.Arg253His (NM_001399817.1); c.773G>A (NM_006618.3); short protein forms R213H, R253H, R258H, R294H.
Identifiers: ClinVar variation 4084697 (VCV004084697.8).
Genomic context (GRCh38, chr1:202,764,084, plus strand): 5'-CCTATTCATTGACAAATTTTCTTACCATTTTCACATTTTGGAGTTGGACAACCCATTCGA[C>T]GTCTCAGATTATGAGTTCTGGCTTCCGTTGTCTCCTCGGGTTCTATTTTAATATTCATGG-3'
Protein context (NP_006609.3, residues 248-268): TTEARTHNLR[Arg258His]RMGCPTPKCE

ClinVar aggregate classification (germline): Conflicting classifications of pathogenicity. Review status: criteria provided, conflicting classifications (1 of 4 stars). 2 submissions from 2 submitters: Uncertain significance (1); Likely benign (1). Last evaluated 2025-10-06.

Conditions:
Inborn genetic diseases. Identifiers: MedGen C0950123, MeSH D030342.

Submissions (2):

Ambry Genetics
Classification: Uncertain significance for Inborn genetic diseases. Last evaluated: 2025-10-06. Review status: criteria provided, single submitter. Criteria: Ambry Variant Classification Scheme 2023. Collection method: clinical testing. Allele origin: germline.

CeGaT Center for Human Genetics Tuebingen
Classification: Likely benign. Last evaluated: 2025-06-01. Review status: criteria provided, single submitter. Criteria: CeGaT Center For Human Genetics Tuebingen Variant Classification Criteria Version 2. Collection method: clinical testing. Allele origin: germline. Affected: yes. Observed: 1 variant allele.
Comment: KDM5B: BS2